The following is an entry in ClinVar:

ClinVar aggregate classification (germline): Likely benign (1 of 4 stars; one submission).

Conditions:
ABCC12-related condition.

gnomAD v4.1: 1 of 1,614,214 alleles (0.000062%); highest among the groups gnomAD compares: Non-Finnish European, 0.000085%; no homozygotes.

Submission:

PreventionGenetics, part of Exact Sciences
Classification: Likely benign for ABCC12-related condition. Last evaluated: 2026-05-11. Review status: criteria provided, single submitter. Criteria: ACMG Guidelines, 2015. Collection method: clinical testing. Allele origin: germline.
Comment: This variant is classified as likely benign based on ACMG/AMP sequence variant interpretation guidelines (Richards et al. 2015 PMID: 25741868, with internal and published modifications).

NM_001393797.1(ABCC12):c.1572A>G (p.Ala524=)

Gene: ABCC12 (ATP binding cassette subfamily C member 12; minus strand). Cytogenetic location: 16q12.1.
Variant type: single nucleotide variant.
Coding change: c.1572A>G on transcript NM_001393797.1 (MANE Select); coding-DNA position 1572, A replaced by G.
Protein change: p.Ala524=; no amino-acid change (alanine 524 retained).
Molecular consequence: synonymous variant. On other transcripts: non-coding transcript variant (6).
Genome position (GRCh38, 1-based): chr16:48,124,228, T>C on the plus strand (A>G on the coding strand, the complement: ABCC12 is on the minus strand). VCF-style: chr16-48124228-T-C. GRCh37 (hg19) VCF-style: chr16-48158139-T-C.
Other names: c.1572A>G, p.Ala524= (NM_001392028.1, NM_033226.3).
Identifiers: ClinVar variation 4981532 (VCV004981532.1).